The following is an entry in ClinVar:

ClinVar aggregate classification (germline): Benign (1 of 4 stars; one submission).

Allele frequency attached by ClinVar (database versions not stated): 1000 Genomes Project 30x 0.33214; 1000 Genomes Project 0.33726; TOPMed 0.36617; gnomAD 0.36936; ESP Exome Variant Server 0.37687; ExAC 0.42405; gnomAD exomes 0.43653.
gnomAD v4.1: 323,984 of 765,000 alleles (42%); highest among the groups gnomAD compares: Middle Eastern, 55%; 72,175 homozygotes.

Submission:

Unidad de Genómica Garrahan, Hospital de Pediatría Garrahan
Classification: Benign. Last evaluated: 2024-07-15. Review status: criteria provided, single submitter. Criteria: ACMG Guidelines, 2015. Collection method: clinical testing. Allele origin: germline. Affected: no. Observed: 64 variant alleles.
Comment: This variant is classified as Benign based on local population frequency. This variant was detected in 69% of patients studied in a panel designed for Epileptic and Developmental Encephalopathy and Progressive Myoclonus Epilepsy. Number of patients: 64. Only high quality variants are reported.

NM_000810.4(GABRA5):c.725-590C>T

Gene: GABRA5 (gamma-aminobutyric acid type A receptor subunit alpha5; plus strand). Cytogenetic location: 15q12.
Variant type: single nucleotide variant.
Coding change: c.725-590C>T on transcript NM_000810.4 (MANE Select); 590 bases into the intron before coding-DNA position 725, C replaced by T.
Molecular consequence: intron variant.
Genome position (GRCh38, 1-based): chr15:26,939,335, C>T. VCF-style: chr15-26939335-C-T. GRCh37 (hg19) VCF-style: chr15-27184482-C-T.
Other names: c.725-590C>T (NM_001165037.2).
Identifiers: ClinVar variation 3255246 (VCV003255246.2), dbSNP rs34560927.